The following is an entry in ClinVar:

ClinVar aggregate classification (germline): Uncertain significance (1 of 4 stars; one submission).

Conditions:
Tuberous sclerosis 2 (TSC2). Identifiers: Orphanet 805, MedGen C1860707, MONDO:0013199, OMIM 613254.

Submission:

Labcorp Genetics (formerly Invitae), Labcorp
Classification: Uncertain significance for Tuberous sclerosis 2. Last evaluated: 2022-09-18. Review status: criteria provided, single submitter. Criteria: Invitae Variant Classification Sherloc (09022015). Collection method: clinical testing. Allele origin: germline.
Comment: In summary, the available evidence is currently insufficient to determine the role of this variant in disease. Therefore, it has been classified as a Variant of Uncertain Significance. Experimental studies and prediction algorithms are not available or were not evaluated, and the functional significance of this variant is currently unknown. This variant has not been reported in the literature in individuals affected with TSC2-related conditions. This variant results in a copy number gain of the genomic region encompassing exon(s) 1-15 of the TSC2 gene. This region includes the initiator codon of the gene. This copy number gain extends beyond the assayed region for this gene and therefore may encompass additional genes. As the precise location of this event is unknown, it may be in tandem or it may be located elsewhere in the genome.

NC_000016.9:g.(?_2089925)_(2114438_?)dup

Genes: NTHL1 (nth like DNA glycosylase 1; minus strand), TSC2 (TSC complex subunit 2; plus strand). Cytogenetic location: 16p13.3.
Variant type: Duplication.
Identifiers: ClinVar variation 2423295 (VCV002423295.4).